The following is an entry in ClinVar:

NM_003924.4(PHOX2B):c.251A>C (p.Lys84Thr)

Gene: PHOX2B (paired like homeobox 2B; minus strand). Cytogenetic location: 4p13.
Variant type: single nucleotide variant.
Coding change: c.251A>C on transcript NM_003924.4 (MANE Select); coding-DNA position 251, A replaced by C.
Protein change: p.Lys84Thr; replaces lysine 84 with threonine.
Molecular consequence: missense variant.
Genome position (GRCh38, 1-based): chr4:41,747,527, T>G on the plus strand (A>C on the coding strand, the complement: PHOX2B is on the minus strand). VCF-style: chr4-41747527-T-G. GRCh37 (hg19) VCF-style: chr4-41749544-T-G.
Other names: short protein forms K84T.
Identifiers: ClinVar variation 3223582 (VCV003223582.1), dbSNP rs1397909726, ClinGen allele CA356740592.

ClinVar aggregate classification (germline): Uncertain significance (1 of 4 stars; one submission).

Conditions:
Hereditary cancer-predisposing syndrome. Also called: Tumor predisposition; Hereditary neoplastic syndrome; Hereditary Cancer Syndrome; Neoplastic Syndromes, Hereditary. Identifiers: Orphanet 140162, MedGen C0027672, MeSH D009386, MONDO:0015356.

Submission:

Ambry Genetics
Classification: Uncertain significance for Hereditary cancer-predisposing syndrome. Last evaluated: 2024-02-02. Review status: criteria provided, single submitter. Criteria: Ambry Variant Classification Scheme 2023. Collection method: clinical testing. Allele origin: germline.
Comment: The p.K84T variant (also known as c.251A>C), located in coding exon 2 of the PHOX2B gene, results from an A to C substitution at nucleotide position 251. The lysine at codon 84 is replaced by threonine, an amino acid with similar properties. This amino acid position is conserved. In addition, the in silico prediction for this alteration is inconclusive. Based on the available evidence, the clinical significance of this alteration remains unclear.